The following is an entry in ClinVar:

ClinVar aggregate classification (germline): Likely benign. Review status: criteria provided, multiple submitters, no conflicts (2 of 4 stars). 4 submissions from 4 submitters: Likely benign (4). Last evaluated 2025-10-07.

Conditions:
Cardiovascular phenotype. Identifiers: MedGen CN230736.
Long QT syndrome (LQTS). Identifiers: MedGen C0023976, MeSH D008133, MONDO:0002442. Disease mechanism: loss of function. Inheritance: Various modes of inheritance.

Allele frequency attached by ClinVar (database versions not stated): gnomAD exomes 0.00010 and 0.00031; TOPMed 0.00013; gnomAD 0.00016 and 0.00017; ExAC 0.00026.
gnomAD v4.1: 180 of 1,613,290 alleles (0.011%); highest among the groups gnomAD compares: East Asian, 0.2%; no homozygotes.

Submissions (4):

Labcorp Genetics (formerly Invitae), Labcorp
Classification: Likely benign for Long QT syndrome. Last evaluated: 2025-10-07. Review status: criteria provided, single submitter. Criteria: Invitae Variant Classification Sherloc (09022015). Collection method: clinical testing. Allele origin: germline.

Blueprint Genetics
Classification: Likely benign. Last evaluated: 2024-11-08. Review status: criteria provided, single submitter. Criteria: ACMG Guidelines, 2015. Collection method: clinical testing. Allele origin: germline.

Dept of Medical Biology, Uskudar University
Classification: Likely benign for Long QT syndrome. Last evaluated: 2024-01-08. Review status: criteria provided, single submitter. Criteria: Dept of Medical Biology Variant Classification. Collection method: research. Allele origin: paternal. Affected: yes. Observed: 1 variant allele.
Comment: Criteria: BS1, BP4

Ambry Genetics
Classification: Likely benign for Cardiovascular phenotype. Last evaluated: 2020-07-30. Review status: criteria provided, single submitter. Criteria: Ambry Variant Classification Scheme 2023. Collection method: clinical testing. Allele origin: germline.

NM_005751.5(AKAP9):c.10406C>T (p.Thr3469Met)

Gene: AKAP9 (A-kinase anchoring protein 9; plus strand). Cytogenetic location: 7q21.2.
Variant type: single nucleotide variant.
Coding change: c.10406C>T on transcript NM_005751.5 (MANE Select); coding-DNA position 10406, C replaced by T.
Protein change: p.Thr3469Met; replaces threonine 3469 with methionine.
Molecular consequence: missense variant.
Genome position (GRCh38, 1-based): chr7:92,097,593, C>T. VCF-style: chr7-92097593-C-T. GRCh37 (hg19) VCF-style: chr7-91726907-C-T.
Other names: c.5051C>T, p.Thr1684Met (NM_001379277.1); c.10382C>T, p.Thr3461Met (NM_147185.3); short protein forms T3469M, T3461M, T1684M.
Identifiers: ClinVar variation 264086 (VCV000264086.19), dbSNP rs746860114, ClinGen allele CA4337952.
Genomic context (GRCh38, chr7:92,097,593, plus strand): 5'-GATATGCTGTTCACTTATAATTATTGTTTTCTTATTCTGTCCAAAATTGCCAGCCAACCA[C>T]GTGGAGCTTAACCAGTGATAGAACTAGAAATTGGGTTCTTCAACAGAAAATAGAAGGAGA-3'
Protein context (NP_005742.4, residues 3459-3479): ILYQNLNEPT[Thr3469Met]WSLTSDRTRN